The following is an entry in ClinVar:

NM_024757.5(EHMT1):c.1783T>C (p.Cys595Arg)

Gene: EHMT1 (euchromatic histone lysine methyltransferase 1; plus strand). Cytogenetic location: 9q34.3.
Variant type: single nucleotide variant.
Coding change: c.1783T>C on transcript NM_024757.5 (MANE Select); coding-DNA position 1783, T replaced by C.
Protein change: p.Cys595Arg; replaces cysteine 595 with arginine.
Molecular consequence: missense variant.
Genome position (GRCh38, 1-based): chr9:137,775,244, T>C. VCF-style: chr9-137775244-T-C. GRCh37 (hg19) VCF-style: chr9-140669696-T-C.
Other names: c.1783T>C, p.Cys595Arg (NM_001145527.2); c.1690T>C, p.Cys564Arg (NM_001354259.2); c.1762T>C, p.Cys588Arg (NM_001354263.2); short protein forms C564R, C588R, C595R.
Identifiers: ClinVar variation 2693771 (VCV002693771.3), dbSNP rs2542330796, ClinGen allele CA375774496.

ClinVar aggregate classification (germline): Uncertain significance (1 of 4 stars; one submission).

Conditions:
Kleefstra syndrome 1 (KLEFS1). Identifiers: Orphanet 261494, MedGen C0795833, MONDO:0027407, OMIM 610253.

Submission:

Labcorp Genetics (formerly Invitae), Labcorp
Classification: Uncertain significance for Kleefstra syndrome 1. Last evaluated: 2023-06-06. Review status: criteria provided, single submitter. Criteria: Invitae Variant Classification Sherloc (09022015). Collection method: clinical testing. Allele origin: germline.
Comment: This sequence change replaces cysteine, which is neutral and slightly polar, with arginine, which is basic and polar, at codon 595 of the EHMT1 protein (p.Cys595Arg). In summary, the available evidence is currently insufficient to determine the role of this variant in disease. Therefore, it has been classified as a Variant of Uncertain Significance. Advanced modeling of protein sequence and biophysical properties (such as structural, functional, and spatial information, amino acid conservation, physicochemical variation, residue mobility, and thermodynamic stability) performed at Invitae indicates that this missense variant is expected to disrupt EHMT1 protein function. This variant has not been reported in the literature in individuals affected with EHMT1-related conditions. This variant is not present in population databases (gnomAD no frequency).